The following is an entry in ClinVar:

NC_000015.9:g.(?_44912368)_(44925855_?)del

Gene: SPG11 (SPG11 vesicle trafficking associated, spatacsin; minus strand). Cytogenetic location: 15q21.1.
Variant type: Deletion.
Identifiers: ClinVar variation 2426921 (VCV002426921.4).

ClinVar aggregate classification (germline): Pathogenic (1 of 4 stars; one submission).

Conditions:
Hereditary spastic paraplegia 11. Also called: Nakamura Osame syndrome; Autosomal recessive hereditary spastic paraplegia, mental impairment, and thin corpus callosum; Spastic Paraplegia 11; Spastic paraplegia, mental retardation and thin corpus callosum; SPASTIC PARAPLEGIA, AUTOSOMAL RECESSIVE, COMPLICATED, WITH THIN CORPUS CALLOSUM; SPASTIC PARAPLEGIA, AUTOSOMAL RECESSIVE, WITH MENTAL IMPAIRMENT AND THIN CORPUS CALLOSUM. Identifiers: Orphanet 2822, MedGen C1858479, MONDO:0011445, OMIM 604360.

Submission:

Labcorp Genetics (formerly Invitae), Labcorp
Classification: Pathogenic for Hereditary spastic paraplegia 11. Last evaluated: 2023-01-22. Review status: criteria provided, single submitter. Criteria: Invitae Variant Classification Sherloc (09022015). Collection method: clinical testing. Allele origin: germline.
Comment: For these reasons, this variant has been classified as Pathogenic. This variant has not been reported in the literature in individuals affected with SPG11-related conditions. This variant is a gross deletion of the genomic region encompassing exon(s) 8-15 of the SPG11 gene. This deletion is out-of-frame, and is expected to create a premature termination codon and result in an absent or disrupted protein product. Loss-of-function variants in SPG11 are known to be pathogenic (PMID: 19105190, 20110243, 22154821, 26556829).

Literature cited by the submitters: PubMed 19105190; PubMed 20110243; PubMed 22154821; PubMed 26556829.